The following is an entry in ClinVar:

NM_006015.6(ARID1A):c.488C>T (p.Ala163Val)

Gene: ARID1A (AT-rich interaction domain 1A; plus strand). Cytogenetic location: 1p36.11.
Variant type: single nucleotide variant.
Coding change: c.488C>T on transcript NM_006015.6 (MANE Select); coding-DNA position 488, C replaced by T.
Protein change: p.Ala163Val; replaces alanine 163 with valine.
Molecular consequence: missense variant.
Genome position (GRCh38, 1-based): chr1:26,696,891, C>T. VCF-style: chr1-26696891-C-T. GRCh37 (hg19) VCF-style: chr1-27023382-C-T.
Other names: c.488C>T, p.Ala163Val (NM_139135.4); short protein forms A163V.
Identifiers: ClinVar variation 1308016 (VCV001308016.6), dbSNP rs2080268991, ClinGen allele CA339265372.
Genomic context (GRCh38, chr1:26,696,891, plus strand): 5'-TGCCGCCCCCAGCCTACGGCTTCGGGCAACCCTACGGCCGGAGCCCGTCTGCCGTCGCCG[C>T]CGCCGCGGCCGCCGTCTTCCACCAACAACATGGCGGACAACAAAGCCCTGGCCTGGCAGC-3'
Protein context (NP_006006.3, residues 153-173): PYGRSPSAVA[Ala163Val]AAAAVFHQQH

ClinVar aggregate classification (germline): Conflicting classifications of pathogenicity. Review status: criteria provided, conflicting classifications (1 of 4 stars). 2 submissions from 2 submitters: Uncertain significance (1); Benign (1). Last evaluated 2024-01-15.

Allele frequency attached by ClinVar (database versions not stated): TOPMed 0.00001.
gnomAD v4.1: 1 of 1,366,630 alleles (0.000073%); highest among the groups gnomAD compares: Admixed American, 0.0039%; no homozygotes.

Submissions (2):

Labcorp Genetics (formerly Invitae), Labcorp
Classification: Benign. Last evaluated: 2024-01-15. Review status: criteria provided, single submitter. Criteria: Invitae Variant Classification Sherloc (09022015). Collection method: clinical testing. Allele origin: germline.

GeneDx
Classification: Uncertain significance. Last evaluated: 2019-08-23. Review status: criteria provided, single submitter. Criteria: GeneDx Variant Classification Process June 2021. Collection method: clinical testing. Allele origin: germline. Affected: yes.
Comment: Not observed in large population cohorts (Lek et al., 2016); In silico analysis, which includes protein predictors and evolutionary conservation, supports that this variant does not alter protein structure/function; Has not been previously published as pathogenic or benign to our knowledge